The following is an entry in ClinVar:

NM_000313.4(PROS1):c.1564G>A (p.Val522Ile)

Gene: PROS1 (protein S; minus strand). Cytogenetic location: 3q11.1.
Variant type: single nucleotide variant.
Coding change: c.1564G>A on transcript NM_000313.4 (MANE Select); coding-DNA position 1564, G replaced by A.
Protein change: p.Val522Ile; replaces valine 522 with isoleucine.
Molecular consequence: missense variant.
Genome position (GRCh38, 1-based): chr3:93,879,243, C>T on the plus strand (G>A on the coding strand, the complement: PROS1 is on the minus strand). VCF-style: chr3-93879243-C-T. GRCh37 (hg19) VCF-style: chr3-93598087-C-T.
Other names: c.1660G>A, p.Val554Ile (NM_001314077.2); short protein forms V522I, V554I.
Identifiers: ClinVar variation 1015333 (VCV001015333.5), dbSNP rs758927346, ClinGen allele CA2503156.

ClinVar aggregate classification (germline): Uncertain significance (1 of 4 stars; one submission).

Conditions:
Thrombophilia due to protein S deficiency, autosomal recessive (THPH6). Identifiers: Orphanet 743, MedGen C3281092, MONDO:0013791, OMIM 614514. Disease mechanism: loss of function.

Allele frequency attached by ClinVar (database versions not stated): TOPMed 0.00002; gnomAD 0.00003.
gnomAD v4.1: 7 of 1,614,024 alleles (0.00043%); highest among the groups gnomAD compares: Middle Eastern, 0.033%; no homozygotes.

Submission:

Labcorp Genetics (formerly Invitae), Labcorp
Classification: Uncertain significance for Thrombophilia due to protein S deficiency, autosomal recessive. Last evaluated: 2025-05-13. Review status: criteria provided, single submitter. Criteria: Invitae Variant Classification Sherloc (09022015). Collection method: clinical testing. Allele origin: germline.
Comment: This sequence change replaces valine, which is neutral and non-polar, with isoleucine, which is neutral and non-polar, at codon 522 of the PROS1 protein (p.Val522Ile). This variant is present in population databases (rs758927346, gnomAD 0.01%). This variant has not been reported in the literature in individuals affected with PROS1-related conditions. ClinVar contains an entry for this variant (Variation ID: 1015333). Invitae Evidence Modeling of protein sequence and biophysical properties (such as structural, functional, and spatial information, amino acid conservation, physicochemical variation, residue mobility, and thermodynamic stability) indicates that this missense variant is not expected to disrupt PROS1 protein function with a negative predictive value of 80%. In summary, the available evidence is currently insufficient to determine the role of this variant in disease. Therefore, it has been classified as a Variant of Uncertain Significance.